The following is an entry in ClinVar:

ClinVar aggregate classification (germline): Uncertain significance (1 of 4 stars; one submission).

Allele frequency attached by ClinVar (database versions not stated): TOPMed below 0.00001; gnomAD exomes 0.00001.
gnomAD v4.1: 12 of 1,614,184 alleles (0.00074%); highest among the groups gnomAD compares: East Asian, 0.0067%; no homozygotes.

Submission:

Labcorp Genetics (formerly Invitae), Labcorp
Classification: Uncertain significance. Last evaluated: 2022-06-13. Review status: criteria provided, single submitter. Criteria: Invitae Variant Classification Sherloc (09022015). Collection method: clinical testing. Allele origin: germline.
Comment: In summary, the available evidence is currently insufficient to determine the role of this variant in disease. Therefore, it has been classified as a Variant of Uncertain Significance. Algorithms developed to predict the effect of missense changes on protein structure and function are either unavailable or do not agree on the potential impact of this missense change (SIFT: "Not Available"; PolyPhen-2: "Probably Damaging"; Align-GVGD: "Not Available"). This variant has not been reported in the literature in individuals affected with CDH3-related conditions. This variant is present in population databases (no rsID available, gnomAD 0.007%). This sequence change replaces aspartic acid, which is acidic and polar, with glutamic acid, which is acidic and polar, at codon 466 of the CDH3 protein (p.Asp466Glu).

NM_001793.6(CDH3):c.1398C>A (p.Asp466Glu)

Gene: CDH3 (cadherin 3; plus strand). Cytogenetic location: 16q22.1.
Variant type: single nucleotide variant.
Coding change: c.1398C>A on transcript NM_001793.6 (MANE Select); coding-DNA position 1398, C replaced by A.
Protein change: p.Asp466Glu; replaces aspartic acid 466 with glutamic acid.
Molecular consequence: missense variant.
Genome position (GRCh38, 1-based): chr16:68,684,798, C>A. VCF-style: chr16-68684798-C-A. GRCh37 (hg19) VCF-style: chr16-68718701-C-A.
Other names: c.1398C>A, p.Asp466Glu (NM_001317195.3); c.1233C>A, p.Asp411Glu (NM_001317196.2); short protein forms D411E, D466E.
Identifiers: ClinVar variation 1484280 (VCV001484280.8), dbSNP rs1395686583, ClinGen allele CA396454163.